The following is an entry in ClinVar:

NM_004064.5(CDKN1B):c.40G>A (p.Glu14Lys)

Gene: CDKN1B (cyclin dependent kinase inhibitor 1B; plus strand). Cytogenetic location: 12p13.1.
Variant type: single nucleotide variant.
Coding change: c.40G>A on transcript NM_004064.5 (MANE Select); coding-DNA position 40, G replaced by A.
Protein change: p.Glu14Lys; replaces glutamic acid 14 with lysine.
Molecular consequence: missense variant.
Genome position (GRCh38, 1-based): chr12:12,717,879, G>A. VCF-style: chr12-12717879-G-A. GRCh37 (hg19) VCF-style: chr12-12870813-G-A.
Other names: c.40G>A (NM_004064.3); short protein forms E14K.
Identifiers: ClinVar variation 2915621 (VCV002915621.4), dbSNP rs2497403775, ClinGen allele CA383968088.

ClinVar aggregate classification (germline): Uncertain significance. Review status: criteria provided, multiple submitters, no conflicts (2 of 4 stars). 2 submissions from 2 submitters: Uncertain significance (2). Last evaluated 2026-03-06.

Conditions:
Hereditary cancer-predisposing syndrome. Also called: Tumor predisposition; Neoplastic Syndromes, Hereditary; Hereditary Cancer Syndrome; Hereditary neoplastic syndrome. Identifiers: Orphanet 140162, MedGen C0027672, MeSH D009386, MONDO:0015356.
Multiple endocrine neoplasia type 4. Also called: MULTIPLE ENDOCRINE NEOPLASIA, TYPE IV. Identifiers: Orphanet 276152, MedGen C1970712, MONDO:0012552, OMIM 610755.

Allele frequency attached by ClinVar (database versions not stated): gnomAD exomes below 0.00001.
gnomAD v4.1: 1 of 1,613,954 alleles (0.000062%); highest among the groups gnomAD compares: Non-Finnish European, 0.000085%; no homozygotes.

Submissions (2):

Ambry Genetics
Classification: Uncertain significance for Hereditary cancer-predisposing syndrome. Last evaluated: 2026-03-06. Review status: criteria provided, single submitter. Criteria: Ambry Variant Classification Scheme 2023. Collection method: clinical testing. Allele origin: germline.
Comment: The p.E14K variant (also known as c.40G>A), located in coding exon 1 of the CDKN1B gene, results from a G to A substitution at nucleotide position 40. The glutamic acid at codon 14 is replaced by lysine, an amino acid with similar properties. This amino acid position is conserved. In addition, this alteration is predicted to be deleterious by in silico analysis. Based on the available evidence, the clinical significance of this variant remains unclear.

Labcorp Genetics (formerly Invitae), Labcorp
Classification: Uncertain significance for Multiple endocrine neoplasia type 4. Last evaluated: 2024-02-11. Review status: criteria provided, single submitter. Criteria: Invitae Variant Classification Sherloc (09022015). Collection method: clinical testing. Allele origin: germline.
Comment: This sequence change replaces glutamic acid, which is acidic and polar, with lysine, which is basic and polar, at codon 14 of the CDKN1B protein (p.Glu14Lys). This variant is not present in population databases (gnomAD no frequency). This variant has not been reported in the literature in individuals affected with CDKN1B-related conditions. An algorithm developed to predict the effect of missense changes on protein structure and function (PolyPhen-2) suggests that this variant is likely to be disruptive. In summary, the available evidence is currently insufficient to determine the role of this variant in disease. Therefore, it has been classified as a Variant of Uncertain Significance.